The following is an entry in ClinVar:

ClinVar aggregate classification (germline): Uncertain significance (1 of 4 stars; one submission).

Conditions:
Dilated cardiomyopathy 1AA (CMD1AA). Also called: Cardiomyopathy, dilated, 1AA, with or without LVNC; CARDIOMYOPATHY, DILATED, 1AA, WITH OR WITHOUT LEFT VENTRICULAR NONCOMPACTION; CARDIOMYOPATHY, FAMILIAL HYPERTROPHIC, 23, WITH OR WITHOUT LEFT VENTRICULAR NONCOMPACTION. Identifiers: Orphanet 154, MedGen C2677338, MONDO:0012808, OMIM 612158.
Primary familial hypertrophic cardiomyopathy (HCM). Identifiers: Orphanet 99739, MedGen C0949658, MeSH D024741, MONDO:0024573. Inheritance: Various modes of inheritance.

Submission:

Labcorp Genetics (formerly Invitae), Labcorp
Classification: Uncertain significance for Primary familial hypertrophic cardiomyopathy; Dilated cardiomyopathy 1AA. Last evaluated: 2024-10-22. Review status: criteria provided, single submitter. Criteria: Invitae Variant Classification Sherloc (09022015). Collection method: clinical testing. Allele origin: germline.
Comment: This sequence change replaces lysine, which is basic and polar, with methionine, which is neutral and non-polar, at codon 318 of the ACTN2 protein (p.Lys318Met). This variant is not present in population databases (gnomAD no frequency). This variant has not been reported in the literature in individuals affected with ACTN2-related conditions. ClinVar contains an entry for this variant (Variation ID: 1515281). Invitae Evidence Modeling of protein sequence and biophysical properties (such as structural, functional, and spatial information, amino acid conservation, physicochemical variation, residue mobility, and thermodynamic stability) indicates that this missense variant is not expected to disrupt ACTN2 protein function with a negative predictive value of 80%. In summary, the available evidence is currently insufficient to determine the role of this variant in disease. Therefore, it has been classified as a Variant of Uncertain Significance.

NM_001103.4(ACTN2):c.953A>T (p.Lys318Met)

Gene: ACTN2 (actinin alpha 2; plus strand). Cytogenetic location: 1q43.
Variant type: single nucleotide variant.
Coding change: c.953A>T on transcript NM_001103.4 (MANE Select); coding-DNA position 953, A replaced by T.
Protein change: p.Lys318Met; replaces lysine 318 with methionine.
Molecular consequence: missense variant.
Genome position (GRCh38, 1-based): chr1:236,739,378, A>T. VCF-style: chr1-236739378-A-T. GRCh37 (hg19) VCF-style: chr1-236902678-A-T.
Other names: c.953A>T, p.Lys318Met (NM_001278343.2); c.329A>T, p.Lys110Met (NM_001278344.2); short protein forms K110M, K318M.
Identifiers: ClinVar variation 1515281 (VCV001515281.8), dbSNP rs2102922515, ClinGen allele CA345380288.